The following is an entry in ClinVar:

ClinVar aggregate classification (germline): Conflicting classifications of pathogenicity. Review status: criteria provided, conflicting classifications (1 of 4 stars). 7 submissions from 7 submitters: Pathogenic (3); Likely pathogenic (1); Uncertain significance (1). 2 of the submissions do not count toward it. Last evaluated 2025-04-09.

Conditions:
ABCA4-related disorder. Also called: ABCA4-related disorders; ABCA4-related condition. Identifiers: MedGen CN239167.
Retinal dystrophy. Also called: Inherited retinal dystrophy. Identifiers: Orphanet 71862, MedGen C0854723, MeSH D058499, MONDO:0019118, HP:0000556.
Severe early-childhood-onset retinal dystrophy (STGD1). Also called: Stargardt macular dystrophy; Juvenile onset macular degeneration; Stargardt disease 1; STGD; MACULAR DYSTROPHY WITH FLECKS, TYPE 1. Identifiers: Orphanet 364055, Orphanet 827, MedGen C1855465, MeSH D000080362, MONDO:0009549, OMIM 248200.

Allele frequency attached by ClinVar (database versions not stated): TOPMed 0.00005; gnomAD 0.00001 and 0.00002; gnomAD exomes below 0.00001.
gnomAD v4.1: 3 of 1,549,558 alleles (0.00019%); highest among the groups gnomAD compares: African/African-American, 0.0041%; no homozygotes.

Submissions (7):

Labcorp Genetics (formerly Invitae), Labcorp
Classification: Pathogenic. Last evaluated: 2025-04-09. Review status: criteria provided, single submitter. Criteria: Invitae Variant Classification Sherloc (09022015). Collection method: clinical testing. Allele origin: germline.
Comment: This sequence change replaces glutamine, which is neutral and polar, with arginine, which is basic and polar, at codon 1513 of the ABCA4 protein (p.Gln1513Arg). This variant is not present in population databases (gnomAD no frequency). This missense change has been observed in individual(s) with retinal disease (PMID: 28559085, 29925512; internal data). In at least one individual the data is consistent with being in trans (on the opposite chromosome) from a pathogenic variant. ClinVar contains an entry for this variant (Variation ID: 99293). An algorithm developed to predict the effect of missense changes on protein structure and function (PolyPhen-2) suggests that this variant is likely to be disruptive. Algorithms developed to predict the effect of sequence changes on RNA splicing suggest that this variant may disrupt the consensus splice site. For these reasons, this variant has been classified as Pathogenic.

Blueprint Genetics
Classification: Pathogenic for ABCA4-related disorders. Last evaluated: 2022-09-05. Review status: criteria provided, single submitter. Criteria: ACMG Guidelines, 2015. Collection method: clinical testing. Allele origin: germline. Affected: yes. Observed: 5 variant alleles.

Ocular Genomics Institute, Massachusetts Eye and Ear
Classification: Likely pathogenic for Severe early-childhood-onset retinal dystrophy. Last evaluated: 2021-04-08. Review status: criteria provided, single submitter. Criteria: ACMG Guidelines, 2015. Collection method: research. Allele origin: germline. Affected: yes.
Comment: Through a review of available evidence we were able to apply the following criteria: PM2, PM3, PS3. Based on this evidence we have classified this variant as Likely Pathogenic.

CeGaT Center for Human Genetics Tuebingen
Classification: Pathogenic. Last evaluated: 2018-09-01. Review status: criteria provided, single submitter. Criteria: CeGaT Center For Human Genetics Tuebingen Variant Classification Criteria Version 2. Collection method: clinical testing. Allele origin: germline. Affected: yes. Observed: 1 variant allele.

Eurofins Ntd Llc (ga)
Classification: Uncertain significance. Last evaluated: 2013-12-17. Review status: criteria provided, single submitter. Criteria: EGL Classification Definitions 2015. Collection method: clinical testing. Allele origin: germline. Observed: 1 variant allele, 1 heterozygote.

NIHR Bioresource Rare Diseases, University of Cambridge
Classification: Likely pathogenic for Retinal dystrophy. Last evaluated: 2015-01-01. Review status: no assertion criteria provided. Collection method: research. Allele origin: unknown. Affected: yes. Observed: 1 variant allele. Not counted in ClinVar's aggregate classification.

Retina International
No classification provided. Review status: no classification provided. Collection method: not provided. Allele origin: unknown. Not counted in ClinVar's aggregate classification.

Literature cited by the submitters: PubMed 28559085 (cited by Labcorp Genetics (formerly Invitae), Labcorp and Ocular Genomics Institute, Massachusetts Eye and Ear); PubMed 29925512 (cited by Labcorp Genetics (formerly Invitae), Labcorp); PubMed 28041643 (cited by Ocular Genomics Institute, Massachusetts Eye and Ear and NIHR Bioresource Rare Diseases, University of Cambridge); PubMed 23982839 (cited by Ocular Genomics Institute, Massachusetts Eye and Ear); PubMed 24011517 (cited by Ocular Genomics Institute, Massachusetts Eye and Ear); PubMed 29162642 (cited by Ocular Genomics Institute, Massachusetts Eye and Ear); PubMed 11328725 (cited by NIHR Bioresource Rare Diseases, University of Cambridge).

NM_000350.3(ABCA4):c.4538A>G (p.Gln1513Arg)

Gene: ABCA4 (ATP binding cassette subfamily A member 4; minus strand). Cytogenetic location: 1p22.1.
Variant type: single nucleotide variant.
Coding change: c.4538A>G on transcript NM_000350.3 (MANE Select); coding-DNA position 4538, A replaced by G.
Protein change: p.Gln1513Arg; replaces glutamine 1513 with arginine.
Molecular consequence: missense variant.
Genome position (GRCh38, 1-based): chr1:94,029,446, T>C on the plus strand (A>G on the coding strand, the complement: ABCA4 is on the minus strand). VCF-style: chr1-94029446-T-C. GRCh37 (hg19) VCF-style: chr1-94495002-T-C.
Other names: c.4316A>G, p.Gln1439Arg (NM_001425324.1); short protein forms Q1513R, Q1439R.
Identifiers: ClinVar variation 99293 (VCV000099293.53), dbSNP rs281865402, ClinGen allele CA227206.
Genomic context (GRCh38, chr1:94,029,446, plus strand): 5'-CTCCCCTAGTCCCTCTGTGGCAGGCAGACCTGGGGCCCCGTTGTTTGGAGGTCAGGTACC[T>C]GGGGGGGCGGGAGGCCCCCGGCACCCTCGGGGCACTCTGGCAGCATGGTGAGCTTCTCCC-3'
Protein context (NP_000341.2, residues 1503-1523): PEGAGGLPPP[Gln1513Arg]RTQRSTEILQ